The following is an entry in ClinVar:

ClinVar aggregate classification (germline): Likely pathogenic (1 of 4 stars; one submission).

Submission:

Labcorp Genetics (formerly Invitae), Labcorp
Classification: Likely pathogenic. Last evaluated: 2023-09-12. Review status: criteria provided, single submitter. Criteria: Invitae Variant Classification Sherloc (09022015). Collection method: clinical testing. Allele origin: germline.
Comment: Algorithms developed to predict the effect of sequence changes on RNA splicing suggest that this variant may disrupt the consensus splice site. This variant has not been reported in the literature in individuals affected with RIN2-related conditions. This variant is not present in population databases (gnomAD no frequency). This sequence change affects an acceptor splice site in intron 8 of the RIN2 gene. It is expected to disrupt RNA splicing. Variants that disrupt the donor or acceptor splice site typically lead to a loss of protein function (PMID: 16199547), and loss-of-function variants in RIN2 are known to be pathogenic (PMID: 19631308). In summary, the currently available evidence indicates that the variant is pathogenic, but additional data are needed to prove that conclusively. Therefore, this variant has been classified as Likely Pathogenic.

Literature cited by the submitters: PubMed 16199547; PubMed 19631308.

NM_018993.4(RIN2):c.2069-1G>T

Gene: RIN2 (Ras and Rab interactor 2; plus strand). Cytogenetic location: 20p11.23.
Variant type: single nucleotide variant.
Coding change: c.2069-1G>T on transcript NM_018993.4 (MANE Select); the canonical splice acceptor site of the intron before coding-DNA position 2069, G replaced by T.
Molecular consequence: splice acceptor variant.
Genome position (GRCh38, 1-based): chr20:19,992,167, G>T. VCF-style: chr20-19992167-G-T. GRCh37 (hg19) VCF-style: chr20-19972811-G-T.
Other names: c.1451-1G>T (NM_001378238.1); c.2216-1G>T (NM_001242581.2).
Identifiers: ClinVar variation 2760409 (VCV002760409.3), dbSNP rs978275203, ClinGen allele CA312430401.